The following is an entry in ClinVar:

NM_001035.3(RYR2):c.3355C>T (p.Arg1119Cys)

Gene: RYR2 (ryanodine receptor 2; plus strand). Cytogenetic location: 1q43.
Variant type: single nucleotide variant.
Coding change: c.3355C>T on transcript NM_001035.3 (MANE Select); coding-DNA position 3355, C replaced by T.
Protein change: p.Arg1119Cys; replaces arginine 1119 with cysteine.
Molecular consequence: missense variant.
Genome position (GRCh38, 1-based): chr1:237,566,707, C>T. VCF-style: chr1-237566707-C-T. GRCh37 (hg19) VCF-style: chr1-237730007-C-T.
Other names: short protein forms R1119C.
Identifiers: ClinVar variation 1318901 (VCV001318901.5), dbSNP rs1379190155, ClinGen allele CA345398605.

ClinVar aggregate classification (germline): Uncertain significance. Review status: criteria provided, multiple submitters, no conflicts (2 of 4 stars). 4 submissions from 4 submitters: Uncertain significance (4). Last evaluated 2025-09-24.

Conditions:
RYR2-related disorder. Also called: RYR2-related condition.
Catecholaminergic polymorphic ventricular tachycardia 1. Also called: RYR2-Related Catecholaminergic Polymorphic Ventricular Tachycardia; VENTRICULAR TACHYCARDIA, CATECHOLAMINERGIC POLYMORPHIC, 1, WITH OR WITHOUT ATRIAL DYSFUNCTION AND/OR DILATED CARDIOMYOPATHY; VENTRICULAR TACHYCARDIA, STRESS-INDUCED POLYMORPHIC 1. Identifiers: Orphanet 3286, MedGen C1631597, MONDO:0011484, OMIM 604772.
Cardiovascular phenotype. Identifiers: MedGen CN230736.

Allele frequency attached by ClinVar (database versions not stated): gnomAD exomes below 0.00001 and 0.00001; TOPMed below 0.00001.
gnomAD v4.1: 7 of 1,613,900 alleles (0.00043%); highest among the groups gnomAD compares: East Asian, 0.0022%; no homozygotes.

Submissions (4):

Labcorp Genetics (formerly Invitae), Labcorp
Classification: Uncertain significance for Catecholaminergic polymorphic ventricular tachycardia 1. Last evaluated: 2025-09-24. Review status: criteria provided, single submitter. Criteria: Invitae Variant Classification Sherloc (09022015). Collection method: clinical testing. Allele origin: germline.
Comment: This sequence change replaces arginine, which is basic and polar, with cysteine, which is neutral and slightly polar, at codon 1119 of the RYR2 protein (p.Arg1119Cys). This variant is present in population databases (no rsID available, gnomAD 0.0009%). This variant has not been reported in the literature in individuals affected with RYR2-related conditions. ClinVar contains an entry for this variant (Variation ID: 1318901). Invitae Evidence Modeling of protein sequence and biophysical properties (such as structural, functional, and spatial information, amino acid conservation, physicochemical variation, residue mobility, and thermodynamic stability) indicates that this missense variant is not expected to disrupt RYR2 protein function with a negative predictive value of 95%. In summary, the available evidence is currently insufficient to determine the role of this variant in disease. Therefore, it has been classified as a Variant of Uncertain Significance.

Ambry Genetics
Classification: Uncertain significance for Cardiovascular phenotype. Last evaluated: 2025-06-17. Review status: criteria provided, single submitter. Criteria: Ambry Variant Classification Scheme 2023. Collection method: clinical testing. Allele origin: germline.
Comment: The p.R1119C variant (also known as c.3355C>T), located in coding exon 28 of the RYR2 gene, results from a C to T substitution at nucleotide position 3355. The arginine at codon 1119 is replaced by cysteine, an amino acid with highly dissimilar properties. This amino acid position is highly conserved in available vertebrate species. In addition, the in silico prediction for this alteration is inconclusive. Based on the available evidence, the clinical significance of this variant remains unclear.

PreventionGenetics, part of Exact Sciences
Classification: Uncertain significance for RYR2-related condition. Last evaluated: 2023-10-09. Review status: criteria provided, single submitter. Criteria: ACMG Guidelines, 2015. Collection method: clinical testing. Allele origin: germline.
Comment: The RYR2 c.3355C>T variant is predicted to result in the amino acid substitution p.Arg1119Cys. To our knowledge, this variant has not been reported in the literature. This variant is reported in 0.00089% of alleles in individuals of European (Non-Finnish) descent in gnomAD. At this time, the clinical significance of this variant is uncertain due to the absence of conclusive functional and genetic evidence.

GeneDx
Classification: Uncertain significance. Last evaluated: 2019-08-30. Review status: criteria provided, single submitter. Criteria: GeneDx Variant Classification Process June 2021. Collection method: clinical testing. Allele origin: germline. Affected: yes.
Comment: Has not been previously published as pathogenic or benign to our knowledge; Not observed at a significant frequency in large population cohorts (Lek et al., 2016); In silico analysis, which includes protein predictors and evolutionary conservation, supports a deleterious effect; Not located in one of the three hot-spot regions of the RYR2 gene, where the majority of pathogenic missense variants occur (Medeiros-Domingo et al., 2009)